The following is an entry in ClinVar:

ClinVar aggregate classification (germline): Uncertain significance. Review status: criteria provided, multiple submitters, no conflicts (2 of 4 stars). 2 submissions from 2 submitters: Uncertain significance (2). Last evaluated 2025-11-26.

Conditions:
Inborn genetic diseases. Identifiers: MedGen C0950123, MeSH D030342.
Saldino-Mainzer syndrome (SRTD9). Also called: Renal dysplasia, retinal pigmentary dystrophy, cerebellar ataxia and skeletal dysplasia; CONORENAL SYNDROME; SHORT-RIB THORACIC DYSPLASIA 9 WITHOUT POLYDACTYLY; short-rib thoracic dysplasia 9 with or without polydactyly. Identifiers: Orphanet 140969, MedGen C1849437, MONDO:0009964, OMIM 266920.

Allele frequency attached by ClinVar (database versions not stated): gnomAD exomes below 0.00001; gnomAD 0.00001.
gnomAD v4.1: 3 of 1,613,612 alleles (0.00019%); highest among the groups gnomAD compares: Non-Finnish European, 0.00025%; no homozygotes.

Submissions (2):

Ambry Genetics
Classification: Uncertain significance for Inborn genetic diseases. Last evaluated: 2025-11-26. Review status: criteria provided, single submitter. Criteria: Ambry Variant Classification Scheme 2023. Collection method: clinical testing. Allele origin: germline.

Labcorp Genetics (formerly Invitae), Labcorp
Classification: Uncertain significance for Saldino-Mainzer syndrome. Last evaluated: 2021-10-12. Review status: criteria provided, single submitter. Criteria: Invitae Variant Classification Sherloc (09022015). Collection method: clinical testing. Allele origin: germline.
Comment: This sequence change replaces methionine with isoleucine at codon 420 of the IFT140 protein (p.Met420Ile). The methionine residue is weakly conserved and there is a small physicochemical difference between methionine and isoleucine. This variant is not present in population databases (ExAC no frequency). This variant has not been reported in the literature in individuals affected with IFT140-related conditions. Algorithms developed to predict the effect of missense changes on protein structure and function (SIFT, PolyPhen-2, Align-GVGD) all suggest that this variant is likely to be tolerated. In summary, the available evidence is currently insufficient to determine the role of this variant in disease. Therefore, it has been classified as a Variant of Uncertain Significance.

NM_014714.4(IFT140):c.1260G>A (p.Met420Ile)

Genes: IFT140 (intraflagellar transport 140; minus strand), LOC105371046 (uncharacterized LOC105371046; plus strand). Cytogenetic location: 16p13.3.
Variant type: single nucleotide variant.
Coding change: c.1260G>A on transcript NM_014714.4 (MANE Select); coding-DNA position 1260, G replaced by A.
Protein change: p.Met420Ile; replaces methionine 420 with isoleucine.
Molecular consequence: missense variant.
Genome position (GRCh38, 1-based): chr16:1,584,316, C>T on the plus strand (G>A on the coding strand, the complement: IFT140 is on the minus strand). VCF-style: chr16-1584316-C-T. GRCh37 (hg19) VCF-style: chr16-1634317-C-T.
Other names: c.1260G>A (NM_014714.3); short protein forms M420I.
Identifiers: ClinVar variation 1464883 (VCV001464883.4), dbSNP rs2034748123, ClinGen allele CA394214708.
Genomic context (GRCh38, chr16:1,584,316, plus strand): 5'-CAGGCTGTGTGCGACCCCCGTGGACAGGAAGCACACATTCAGCAGACTCGGGGAGACCTG[C>T]ATGGCGGCCACTTGCTGGTGGAAGTGTGACGACATGGCCCGCTCGCTGAGGATGGCCACG-3'
Protein context (NP_055529.2, residues 410-430): SSHFHQQVAA[Met420Ile]QVSPSLLNVC